The following is an entry in ClinVar:

ClinVar aggregate classification (germline): Uncertain significance (1 of 4 stars; one submission).

Conditions:
Gorlin syndrome. Also called: Nevoid Basal Cell Carcinoma Syndrome; Basal cell nevus syndrome. Identifiers: Orphanet 377, MedGen C0004779, MONDO:0007187.
Medulloblastoma (MDB). Also called: Medulloblastoma, somatic; MEDULLOBLASTOMA PREDISPOSITION SYNDROME. Identifiers: Orphanet 616, MedGen C0025149, MeSH D008527, MONDO:0007959, OMIM 155255, HP:0002885.

gnomAD v4.1: 1 of 1,613,984 alleles (0.000062%); no homozygotes.

Submission:

Labcorp Genetics (formerly Invitae), Labcorp
Classification: Uncertain significance for Gorlin syndrome; Medulloblastoma. Last evaluated: 2022-05-15. Review status: criteria provided, single submitter. Criteria: Invitae Variant Classification Sherloc (09022015). Collection method: clinical testing. Allele origin: germline.
Comment: In summary, the available evidence is currently insufficient to determine the role of this variant in disease. Therefore, it has been classified as a Variant of Uncertain Significance. Algorithms developed to predict the effect of missense changes on protein structure and function are either unavailable or do not agree on the potential impact of this missense change (SIFT: "Tolerated"; PolyPhen-2: "Probably Damaging"; Align-GVGD: "Class C0"). This variant has not been reported in the literature in individuals affected with SUFU-related conditions. This variant is not present in population databases (gnomAD no frequency). This sequence change replaces glycine, which is neutral and non-polar, with alanine, which is neutral and non-polar, at codon 258 of the SUFU protein (p.Gly258Ala).

NM_016169.4(SUFU):c.773G>C (p.Gly258Ala)

Gene: SUFU (SUFU negative regulator of hedgehog signaling; plus strand). Cytogenetic location: 10q24.32.
Variant type: single nucleotide variant.
Coding change: c.773G>C on transcript NM_016169.4 (MANE Select); coding-DNA position 773, G replaced by C.
Protein change: p.Gly258Ala; replaces glycine 258 with alanine.
Molecular consequence: missense variant.
Genome position (GRCh38, 1-based): chr10:102,597,156, G>C. VCF-style: chr10-102597156-G-C. GRCh37 (hg19) VCF-style: chr10-104356913-G-C.
Other names: c.773G>C, p.Gly258Ala (NM_001178133.2); short protein forms G258A.
Identifiers: ClinVar variation 1940435 (VCV001940435.5), dbSNP rs775760512, ClinGen allele CA377910310.